The following is an entry in ClinVar:

ClinVar aggregate classification (germline): Uncertain significance. Review status: criteria provided, multiple submitters, no conflicts (2 of 4 stars). 2 submissions from 2 submitters: Uncertain significance (2). Last evaluated 2026-01-25.

Conditions:
Inborn genetic diseases. Identifiers: MedGen C0950123, MeSH D030342.

gnomAD v4.1: 8 of 1,611,592 alleles (0.0005%); highest among the groups gnomAD compares: South Asian, 0.0088%; no homozygotes.

Submissions (2):

GeneDx
Classification: Uncertain significance. Last evaluated: 2026-01-25. Review status: criteria provided, single submitter. Criteria: GeneDx Variant Classification Process June 2021. Collection method: clinical testing. Allele origin: germline.
Comment: Has not been previously published as pathogenic or benign to our knowledge; Not observed at significant frequency in large population cohorts (gnomAD); In silico analysis suggests that this missense variant does not alter protein structure/function

Ambry Genetics
Classification: Uncertain significance for Inborn genetic diseases. Last evaluated: 2025-09-26. Review status: criteria provided, single submitter. Criteria: Ambry Variant Classification Scheme 2023. Collection method: clinical testing. Allele origin: germline.

NM_021072.4(HCN1):c.2185C>T (p.Leu729Phe)

Gene: HCN1 (hyperpolarization activated cyclic nucleotide gated potassium channel 1; minus strand). Cytogenetic location: 5p12.
Variant type: single nucleotide variant.
Coding change: c.2185C>T on transcript NM_021072.4 (MANE Select); coding-DNA position 2185, C replaced by T.
Protein change: p.Leu729Phe; replaces leucine 729 with phenylalanine.
Molecular consequence: missense variant.
Genome position (GRCh38, 1-based): chr5:45,262,409, G>A on the plus strand (C>T on the coding strand, the complement: HCN1 is on the minus strand). VCF-style: chr5-45262409-G-A. GRCh37 (hg19) VCF-style: chr5-45262511-G-A.
Other names: short protein forms L729F.
Identifiers: ClinVar variation 4621360 (VCV004621360.2).